The following is an entry in ClinVar:

NM_005045.4(RELN):c.1776A>G (p.Glu592=)

Gene: RELN (reelin; minus strand). Cytogenetic location: 7q22.1.
Variant type: single nucleotide variant.
Coding change: c.1776A>G on transcript NM_005045.4 (MANE Select); coding-DNA position 1776, A replaced by G.
Protein change: p.Glu592=; no amino-acid change (glutamic acid 592 retained).
Molecular consequence: synonymous variant.
Genome position (GRCh38, 1-based): chr7:103,651,777, T>C on the plus strand (A>G on the coding strand, the complement: RELN is on the minus strand). VCF-style: chr7-103651777-T-C. GRCh37 (hg19) VCF-style: chr7-103292224-T-C.
Other names: p.Glu592=; c.1776A>G, p.Glu592= (NM_173054.3).
Identifiers: ClinVar variation 130115 (VCV000130115.26), dbSNP rs2072403, ClinGen allele CA154908.

ClinVar aggregate classification (germline): Benign. Review status: criteria provided, multiple submitters, no conflicts (2 of 4 stars). 10 submissions from 10 submitters: Benign (7). 3 of the submissions do not count toward it. Last evaluated 2026-02-04.

Conditions:
Norman-Roberts syndrome (LIS2). Also called: Lissencephaly 2 (Norman-Roberts type). Identifiers: Orphanet 89844, MedGen C0796089, MONDO:0009760, OMIM 257320.
Familial temporal lobe epilepsy 7. Identifiers: Orphanet 101046, MedGen C4225327, MONDO:0014639, OMIM 616436.

Allele frequency attached by ClinVar (database versions not stated): gnomAD exomes 0.05551 and 0.07515; ExAC 0.07650; ESP Exome Variant Server 0.09357; gnomAD 0.09440 and 0.09661; TOPMed 0.10045; 1000 Genomes Project 0.12041; 1000 Genomes Project 30x 0.12242.
gnomAD v4.1: 95,474 of 1,610,778 alleles (5.9%); highest among the groups gnomAD compares: African/African-American, 19%; 3,875 homozygotes.

Submissions (10):

Labcorp Genetics (formerly Invitae), Labcorp
Classification: Benign for Familial temporal lobe epilepsy 7; Norman-Roberts syndrome. Last evaluated: 2026-02-04. Review status: criteria provided, single submitter. Criteria: Invitae Variant Classification Sherloc (09022015). Collection method: clinical testing. Allele origin: germline.

Blueprint Genetics
Classification: Benign. Last evaluated: 2024-11-27. Review status: criteria provided, single submitter. Criteria: ACMG Guidelines, 2015. Collection method: clinical testing. Allele origin: germline.

Genome-Nilou Lab
Classification: Benign for Norman-Roberts syndrome. Last evaluated: 2021-11-07. Review status: criteria provided, single submitter. Criteria: ACMG Guidelines, 2015. Collection method: clinical testing. Allele origin: germline. Affected: no.

Mayo Clinic Laboratories, Mayo Clinic
Classification: Benign. Last evaluated: 2018-04-10. Review status: criteria provided, single submitter. Criteria: ACMG Guidelines, 2015. Collection method: clinical testing. Allele origin: germline. Observed: 60 variant alleles.

Illumina Laboratory Services, Illumina
Classification: Benign for Norman-Roberts syndrome. Last evaluated: 2018-01-12. Review status: criteria provided, single submitter. Criteria: ICSL Variant Classification Criteria 13 December 2019. Collection method: clinical testing. Allele origin: germline.
Comment: This variant was observed in the ICSL laboratory as part of a predisposition screen in an ostensibly healthy population. It had not been previously curated by ICSL or reported in the Human Gene Mutation Database (HGMD: prior to June 1st, 2018), and was therefore a candidate for classification through an automated scoring system. Utilizing variant allele frequency, disease prevalence and penetrance estimates, and inheritance mode, an automated score was calculated to assess if this variant is too frequent to cause the disease. Based on the score and internal cut-off values, a variant classified as benign is not then subjected to further curation. The score for this variant resulted in a classification of benign for this disease.

GeneDx
Classification: Benign. Last evaluated: 2015-03-03. Review status: criteria provided, single submitter. Criteria: GeneDx Variant Classification Process June 2021. Collection method: clinical testing. Allele origin: germline. Affected: yes.

Breakthrough Genomics
Classification: Benign. Review status: criteria provided, single submitter. Criteria: ACMG Guidelines, 2015. Collection method: not provided. Allele origin: germline. Inheritance: Autosomal recessive inheritance. Affected: yes.

Clinical Genetics DNA and cytogenetics Diagnostics Lab, Erasmus MC, Erasmus Medical Center
Classification: Benign. Review status: no assertion criteria provided. Collection method: clinical testing. Allele origin: germline. Affected: yes. Study: VKGL Data-share Consensus. Not counted in ClinVar's aggregate classification.

Clinical Genetics, Academic Medical Center
Classification: Benign. Review status: no assertion criteria provided. Collection method: clinical testing. Allele origin: germline. Affected: yes. Study: VKGL Data-share Consensus. Not counted in ClinVar's aggregate classification.

Genetic Services Laboratory, University of Chicago
Classification: Likely benign for AllHighlyPenetrant. Review status: no assertion criteria provided. Collection method: clinical testing. Allele origin: germline. Inheritance: Autosomal recessive inheritance. Not counted in ClinVar's aggregate classification.
Comment: Likely benign based on allele frequency in 1000 Genomes Project or ESP global frequency and its presence in a patient with a rare or unrelated disease phenotype. NOT Sanger confirmed.